The following is an entry in ClinVar:

NM_001111125.3(IQSEC2):c.4136C>T (p.Pro1379Leu)

Gene: IQSEC2 (IQ motif and Sec7 domain ArfGEF 2; minus strand). Cytogenetic location: Xp11.22.
Variant type: single nucleotide variant.
Coding change: c.4136C>T on transcript NM_001111125.3 (MANE Select); coding-DNA position 4136, C replaced by T.
Protein change: p.Pro1379Leu; replaces proline 1379 with leucine.
Molecular consequence: missense variant. On other transcripts: 3 prime UTR variant (2).
Genome position (GRCh38, 1-based): chrX:53,234,550, G>A on the plus strand (C>T on the coding strand, the complement: IQSEC2 is on the minus strand). VCF-style: chrX-53234550-G-A. GRCh37 (hg19) VCF-style: chrX-53263732-G-A.
Other names: c.*621C>T (NM_001410736.1, NM_015075.2); short protein forms P1379L.
Identifiers: ClinVar variation 2825038 (VCV002825038.3), dbSNP rs2519669295, ClinGen allele CA413139379.

ClinVar aggregate classification (germline): Uncertain significance (1 of 4 stars; one submission).

Conditions:
Intellectual developmental disorder, X-linked 1. Also called: Atkin Flaitz Patil Smith syndrome; Intellectual disability, X-linked 1; MENTAL RETARDATION, X-LINKED 18; MENTAL RETARDATION, X-LINKED 78. Identifiers: Orphanet 777, MedGen C2931498, MONDO:0010656, OMIM 309530.

Submission:

Labcorp Genetics (formerly Invitae), Labcorp
Classification: Uncertain significance for Intellectual developmental disorder, X-linked 1. Last evaluated: 2023-08-04. Review status: criteria provided, single submitter. Criteria: Invitae Variant Classification Sherloc (09022015). Collection method: clinical testing. Allele origin: germline.
Comment: This sequence change replaces proline, which is neutral and non-polar, with leucine, which is neutral and non-polar, at codon 1379 of the IQSEC2 protein (p.Pro1379Leu). This variant is not present in population databases (gnomAD no frequency). This variant has not been reported in the literature in individuals affected with IQSEC2-related conditions. Advanced modeling of protein sequence and biophysical properties (such as structural, functional, and spatial information, amino acid conservation, physicochemical variation, residue mobility, and thermodynamic stability) performed at Invitae indicates that this missense variant is not expected to disrupt IQSEC2 protein function. In summary, the available evidence is currently insufficient to determine the role of this variant in disease. Therefore, it has been classified as a Variant of Uncertain Significance.